The following is an entry in ClinVar:

ClinVar aggregate classification (germline): Uncertain significance. Review status: criteria provided, multiple submitters, no conflicts (2 of 4 stars). 2 submissions from 2 submitters: Uncertain significance (2). Last evaluated 2026-04-16.

gnomAD v4.1: 6 of 1,614,216 alleles (0.00037%); highest among the groups gnomAD compares: Non-Finnish European, 0.00042%; no homozygotes.

Submissions (2):

Women's Health and Genetics/Laboratory Corporation of America, LabCorp
Classification: Uncertain significance. Last evaluated: 2026-04-16. Review status: criteria provided, single submitter. Criteria: LabCorp Variant Classification Summary - May 2015. Collection method: clinical testing. Allele origin: germline.
Comment: Variant summary: ALPK1 c.1973T>G (p.Leu658Trp) results in a non-conservative amino acid change in the encoded protein sequence. Algorithms developed to predict the effect of missense changes on protein structure and function are either unavailable or do not agree on the potential impact of this missense change. The variant was absent in 251316 control chromosomes. The available data on variant occurrences in the general population are insufficient to allow any conclusion about variant significance. To our knowledge, no occurrence of c.1973T>G in individuals affected with ALPK1-related conditions and no experimental evidence demonstrating its impact on protein function have been reported. ClinVar contains an entry for this variant (Variation ID: 3627190). Based on the evidence outlined above, the variant was classified as uncertain significance.

Labcorp Genetics (formerly Invitae), Labcorp
Classification: Uncertain significance. Last evaluated: 2024-02-22. Review status: criteria provided, single submitter. Criteria: Invitae Variant Classification Sherloc (09022015). Collection method: clinical testing. Allele origin: germline.
Comment: This sequence change replaces leucine, which is neutral and non-polar, with tryptophan, which is neutral and slightly polar, at codon 658 of the ALPK1 protein (p.Leu658Trp). This variant is not present in population databases (gnomAD no frequency). This variant has not been reported in the literature in individuals affected with ALPK1-related conditions. Advanced modeling of protein sequence and biophysical properties (such as structural, functional, and spatial information, amino acid conservation, physicochemical variation, residue mobility, and thermodynamic stability) performed at Invitae indicates that this missense variant is not expected to disrupt ALPK1 protein function with a negative predictive value of 80%. In summary, the available evidence is currently insufficient to determine the role of this variant in disease. Therefore, it has been classified as a Variant of Uncertain Significance.

NM_025144.4(ALPK1):c.1973T>G (p.Leu658Trp)

Gene: ALPK1 (alpha kinase 1; plus strand). Cytogenetic location: 4q25.
Variant type: single nucleotide variant.
Coding change: c.1973T>G on transcript NM_025144.4 (MANE Select); coding-DNA position 1973, T replaced by G.
Protein change: p.Leu658Trp; replaces leucine 658 with tryptophan.
Molecular consequence: missense variant.
Genome position (GRCh38, 1-based): chr4:112,431,520, T>G. VCF-style: chr4-112431520-T-G. GRCh37 (hg19) VCF-style: chr4-113352676-T-G.
Other names: c.1973T>G, p.Leu658Trp (NM_001102406.2); c.1739T>G, p.Leu580Trp (NM_001253884.2); short protein forms L580W, L658W.
Identifiers: ClinVar variation 3627190 (VCV003627190.3).
Genomic context (GRCh38, chr4:112,431,520, plus strand): 5'-TGCATTCATTGCATTCACAGCTTCATGATCTCTCTCTTCAGGAACCCAACAATGACAATT[T>G]GGAGCCTTCTCAAAATCAGCCACAGCAACAGATGCCCTTGACACCCTTCTCGCCTCATAA-3'
Protein context (NP_079420.3, residues 648-668): LSLQEPNNDN[Leu658Trp]EPSQNQPQQQ